The following is an entry in ClinVar:

ClinVar aggregate classification (germline): Pathogenic/Likely pathogenic. Review status: criteria provided, multiple submitters, no conflicts (2 of 4 stars). 4 submissions from 4 submitters: Pathogenic (2); Likely pathogenic (1). 1 of the submissions does not count toward it. Last evaluated 2024-07-30.

Conditions:
Pulmonary hypertension, neonatal, susceptibility to (PHN). Identifiers: MedGen C3714958, MONDO:0014151, OMIM 615371.
Congenital hyperammonemia, type I. Also called: Carbamoyl-phosphate synthase I deficiency; CPS I DEFICIENCY; Carbamoyl phosphate synthetase I deficiency disease; Carbamoyl phosphate synthetase 1 deficiency; Hyperammonemia due to carbamoyl phosphate synthetase 1 deficiency; CPS 1 deficiency. Identifiers: Orphanet 147, MedGen C4082171, MONDO:0009376, OMIM 237300.

Allele frequency attached by ClinVar (database versions not stated): gnomAD 0.00001; gnomAD exomes 0.00001.

Submissions (4):

GeneDx
Classification: Likely pathogenic. Last evaluated: 2024-07-30. Review status: criteria provided, single submitter. Criteria: GeneDx Variant Classification Process June 2021. Collection method: clinical testing. Allele origin: germline. Affected: yes.
Comment: Frameshift variant predicted to result in protein truncation or nonsense mediated decay in a gene for which loss of function is a known mechanism of disease; Not observed at significant frequency in large population cohorts (gnomAD); Reported in an individual from a cohort of patients with CPS1 deficiency; however, specific clinical information on patients was not provided, nor was the presence of a second variant in CPS1 discussed in this report (PMID: 21120950); This variant is associated with the following publications: (PMID: 21120950)

Labcorp Genetics (formerly Invitae), Labcorp
Classification: Pathogenic for Congenital hyperammonemia, type I. Last evaluated: 2024-04-09. Review status: criteria provided, single submitter. Criteria: Invitae Variant Classification Sherloc (09022015). Collection method: clinical testing. Allele origin: germline.
Comment: This sequence change creates a premature translational stop signal (p.Ile937Profs*5) in the CPS1 gene. It is expected to result in an absent or disrupted protein product. Loss-of-function variants in CPS1 are known to be pathogenic (PMID: 21120950). This variant is present in population databases (no rsID available, gnomAD 0.007%). This premature translational stop signal has been observed in individual(s) with carbamoyl phosphate synthetase I deficiency (PMID: 21120950). ClinVar contains an entry for this variant (Variation ID: 557195). For these reasons, this variant has been classified as Pathogenic.

Baylor Genetics
Classification: Pathogenic for Pulmonary hypertension, neonatal, susceptibility to. Last evaluated: 2022-10-12. Review status: criteria provided, single submitter. Criteria: ACMG Guidelines, 2015. Collection method: clinical testing. Allele origin: unknown.

Counsyl
Classification: Likely pathogenic for Congenital hyperammonemia, type I. Last evaluated: 2018-03-12. Review status: no assertion criteria provided. Collection method: clinical testing. Allele origin: unknown. Not counted in ClinVar's aggregate classification.

Literature cited by the submitters: PubMed 21120950 (cited by Labcorp Genetics (formerly Invitae), Labcorp and Counsyl).

NM_001875.5(CPS1):c.2809_2810del (p.Ile937fs)

Gene: CPS1 (carbamoyl-phosphate synthase 1; plus strand). Cytogenetic location: 2q34.
Variant type: Deletion.
Coding change: c.2809_2810del on transcript NM_001875.5 (MANE Select); coding-DNA positions 2809 to 2810, 2 bases deleted (AT; older notation c.2809_2810delAT).
Protein change: p.Ile937fs; shifts the reading frame from isoleucine 937.
Molecular consequence: frameshift variant. On other transcripts: non-coding transcript variant (2).
Genome position (GRCh38, 1-based): chr2:210,637,823-210,637,824, AT deleted. VCF-style (leftmost placement, unchanged base first): chr2-210637822-CAT-C. GRCh37 (hg19) VCF-style: chr2-211502546-CAT-C.
Other names: c.2809_2810del (LRG_336t1, NM_001875.4); c.2809_2810delAT (NM_001875.5); c.2809_2810del, p.Ile937fs (NM_001122633.3, NM_001369257.1); c.2842_2843del, p.Ile948fs (NM_001369256.1); short protein forms I937fs, I948fs.
Identifiers: ClinVar variation 557195 (VCV000557195.14), dbSNP rs1318756445, ClinGen allele CA539123308.